The following is an entry in ClinVar:

ClinVar aggregate classification (germline): Uncertain significance. Review status: criteria provided, multiple submitters, no conflicts (2 of 4 stars). 2 submissions from 2 submitters: Uncertain significance (2). Last evaluated 2024-03-21.

Conditions:
Inborn genetic diseases. Identifiers: MedGen C0950123, MeSH D030342.

Allele frequency attached by ClinVar (database versions not stated): gnomAD exomes below 0.00001; ExAC 0.00001.
gnomAD v4.1: 5 of 1,614,206 alleles (0.00031%); highest among the groups gnomAD compares: Non-Finnish European, 0.00042%; no homozygotes.

Submissions (2):

Blueprint Genetics
Classification: Uncertain significance. Last evaluated: 2024-03-21. Review status: criteria provided, single submitter. Criteria: ACMG Guidelines, 2015. Collection method: clinical testing. Allele origin: germline.

Ambry Genetics
Classification: Uncertain significance for Inborn genetic diseases. Last evaluated: 2021-12-12. Review status: criteria provided, single submitter. Criteria: Ambry Variant Classification Scheme 2023. Collection method: clinical testing. Allele origin: germline.
Comment: The p.D288A variant (also known as c.863A>C), located in coding exon 13 of the NDRG1 gene, results from an A to C substitution at nucleotide position 863. The aspartic acid at codon 288 is replaced by alanine, an amino acid with dissimilar properties. This amino acid position is conserved. In addition, the in silico prediction for this alteration is inconclusive. Since supporting evidence is limited at this time, the clinical significance of this alteration remains unclear.

NM_006096.4(NDRG1):c.863A>C (p.Asp288Ala)

Gene: NDRG1 (N-myc downstream regulated 1; minus strand). Cytogenetic location: 8q24.22.
Variant type: single nucleotide variant.
Coding change: c.863A>C on transcript NM_006096.4 (MANE Select); coding-DNA position 863, A replaced by C.
Protein change: p.Asp288Ala; replaces aspartic acid 288 with alanine.
Molecular consequence: missense variant.
Genome position (GRCh38, 1-based): chr8:133,244,383, T>G on the plus strand (A>C on the coding strand, the complement: NDRG1 is on the minus strand). VCF-style: chr8-133244383-T-G. GRCh37 (hg19) VCF-style: chr8-134256626-T-G.
Other names: c.863A>C, p.Asp288Ala (NM_001135242.2, NM_001374845.1, NM_001374846.1); c.665A>C, p.Asp222Ala (NM_001258432.2, NM_001374847.1); c.620A>C, p.Asp207Ala (NM_001258433.2); c.914A>C, p.Asp305Ala (NM_001374844.1); short protein forms D207A, D222A, D305A, D288A.
Identifiers: ClinVar variation 1764124 (VCV001764124.3), dbSNP rs768756033, ClinGen allele CA4886522.